The following is an entry in ClinVar:

NM_000342.4(SLC4A1):c.2340G>A (p.Leu780=)

Gene: SLC4A1 (solute carrier family 4 member 1 (Diego blood group); minus strand). Cytogenetic location: 17q21.31.
Variant type: single nucleotide variant.
Coding change: c.2340G>A on transcript NM_000342.4 (MANE Select); coding-DNA position 2340, G replaced by A.
Protein change: p.Leu780=; no amino-acid change (leucine 780 retained).
Molecular consequence: synonymous variant.
Genome position (GRCh38, 1-based): chr17:44,251,560, C>T on the plus strand (G>A on the coding strand, the complement: SLC4A1 is on the minus strand). VCF-style: chr17-44251560-C-T. GRCh37 (hg19) VCF-style: chr17-42328928-C-T.
Other names: c.2340G>A (NM_000342.3).
Identifiers: ClinVar variation 811350 (VCV000811350.19), dbSNP rs139912334, ClinGen allele CA8600054.

ClinVar aggregate classification (germline): Benign/Likely benign. Review status: criteria provided, multiple submitters, no conflicts (2 of 4 stars). 5 submissions from 5 submitters: Benign (1); Likely benign (3). 1 of the submissions does not count toward it. Last evaluated 2025-10-21.

Conditions:
Hereditary spherocytosis type 4. Also called: SLC4A1-Related Spherocytosis. Identifiers: Orphanet 822, MedGen C2675212, MONDO:0012981, OMIM 612653.
BLOOD GROUP--DIEGO SYSTEM (DI). Identifiers: MedGen C1292286, OMIM 110500.
BLOOD GROUP, WALDNER (WD). Also called: WALDNER BLOOD GROUP ANTIGEN. Identifiers: MedGen C1862191, OMIM 112010.
BLOOD GROUP--FROESE (FR). Also called: FROESE BLOOD GROUP ANTIGEN. Identifiers: MedGen C1832168, OMIM 601551.
BLOOD GROUP--WRIGHT ANTIGEN (WR). Identifiers: MedGen C1862190, OMIM 112050.
BLOOD GROUP--SWANN SYSTEM (SW). Also called: SWANN BLOOD GROUP. Identifiers: MedGen C1832169, OMIM 601550.
Southeast Asian ovalocytosis. Also called: HE, STOMATOCYTIC; Stomatocytic elliptocytosis, hereditary; Ovalocytosis, Malaysian-Melanesian-Filipino type; Elliptocytosis 4. Identifiers: Orphanet 98868, MedGen C1862322, MONDO:0008165, OMIM 166900.
Cryohydrocytosis. Also called: STOMATOCYTOSIS, COLD-SENSITIVE; Hereditary cryohydrocytosis with normal stomatin; CRYOHYDROCYTOSIS DUE TO BAND 3 HEMEL; CRYOHYDROCYTOSIS DUE TO BAND 3 HURSTPIERPOINT; CRYOHYDROCYTOSIS DUE TO BAND 3 BLACKBURN. Identifiers: Orphanet 398088, MedGen C1861453, MONDO:0008494, OMIM 185020.
Autosomal dominant distal renal tubular acidosis (DRTA1). Also called: RENAL TUBULAR ACIDOSIS, DISTAL, 1; Renal Tubular Acidosis, Type I; RTA, CLASSIC TYPE; RTA, DISTAL TYPE, AUTOSOMAL DOMINANT; RTA, GRADIENT TYPE. Identifiers: Orphanet 93608, MedGen CN280572, MONDO:0008368, OMIM 179800.
Renal tubular acidosis, distal, 4, with hemolytic anemia. Also called: Renal Tubular Acidosis, Distal, with Hemolytic Anemia. Identifiers: Orphanet 93610, MedGen C5436235, MONDO:0012700, OMIM 611590.
Malaria, susceptibility to. Identifiers: Orphanet 673, MedGen C1970028, MONDO:0021024, OMIM 611162.
SLC4A1-related disorder. Also called: SLC4A1-related disorders; SLC4A1-related condition.

Allele frequency attached by ClinVar (database versions not stated): gnomAD exomes 0.00007 and 0.00019; ExAC 0.00023; ESP Exome Variant Server 0.00054; gnomAD 0.00055 and 0.00056; 1000 Genomes Project 30x 0.00062; TOPMed 0.00066; 1000 Genomes Project 0.00080.
gnomAD v4.1: 202 of 1,614,068 alleles (0.013%); highest among the groups gnomAD compares: African/African-American, 0.21%; no homozygotes.

Submissions (5):

Labcorp Genetics (formerly Invitae), Labcorp
Classification: Likely benign. Last evaluated: 2025-10-21. Review status: criteria provided, single submitter. Criteria: Invitae Variant Classification Sherloc (09022015). Collection method: clinical testing. Allele origin: germline.

Blueprint Genetics
Classification: Likely benign. Last evaluated: 2024-03-05. Review status: criteria provided, single submitter. Criteria: ACMG Guidelines, 2015. Collection method: clinical testing. Allele origin: germline.

Fulgent Genetics
Classification: Likely benign for BLOOD GROUP--DIEGO SYSTEM; BLOOD GROUP, WALDNER; BLOOD GROUP--WRIGHT ANTIGEN; Southeast Asian ovalocytosis; Autosomal dominant distal renal tubular acidosis; Cryohydrocytosis; BLOOD GROUP--SWANN SYSTEM; BLOOD GROUP--FROESE; Malaria, susceptibility to; Renal tubular acidosis, distal, 4, with hemolytic anemia; Hereditary spherocytosis type 4. Last evaluated: 2021-12-07. Review status: criteria provided, single submitter. Criteria: ACMG Guidelines, 2015. Collection method: clinical testing. Allele origin: unknown.

ARUP Laboratories, Molecular Genetics and Genomics, ARUP Laboratories
Classification: Benign. Last evaluated: 2019-03-30. Review status: criteria provided, single submitter. Criteria: ARUP Molecular Germline Variant Investigation Process. Collection method: clinical testing. Allele origin: germline.

PreventionGenetics, part of Exact Sciences
Classification: Likely benign for SLC4A1-related condition. Last evaluated: 2020-12-31. Review status: no assertion criteria provided. Collection method: clinical testing. Allele origin: germline. Not counted in ClinVar's aggregate classification.
Comment: This variant is classified as likely benign based on ACMG/AMP sequence variant interpretation guidelines (Richards et al. 2015 PMID: 25741868, with internal and published modifications).